The following is an entry in ClinVar:

ClinVar aggregate classification (germline): Benign/Likely benign. Review status: criteria provided, multiple submitters, no conflicts (2 of 4 stars). 4 submissions from 4 submitters: Benign (2); Likely benign (1). 1 of the submissions does not count toward it. Last evaluated 2026-08-01.

Conditions:
Febrile seizures, familial, 2 (FEB2). Also called: Convulsions, familial febrile, 2. Identifiers: MedGen C1865342, MONDO:0011231.

Submissions (4):

CeGaT Center for Human Genetics Tuebingen
Classification: Likely benign. Last evaluated: 2026-08-01. Review status: criteria provided, single submitter. Criteria: CeGaT Center For Human Genetics Tuebingen Variant Classification Criteria Version 2. Collection method: clinical testing. Allele origin: germline. Affected: yes. Observed: 14 variant alleles.
Comment: HCN2: BS1

Labcorp Genetics (formerly Invitae), Labcorp
Classification: Benign. Last evaluated: 2019-12-27. Review status: criteria provided, single submitter. Criteria: Invitae Variant Classification Sherloc (09022015). Collection method: clinical testing. Allele origin: germline.

Genomic Diagnostic Laboratory, Division of Genomic Diagnostics, Children's Hospital of Philadelphia
Classification: Benign. Last evaluated: 2015-08-24. Review status: criteria provided, single submitter. Criteria: DGD Variant Analysis Guidelines. Collection method: clinical testing. Allele origin: unknown.

OMIM
Classification: Pathogenic for GENERALIZED EPILEPSY WITH FEBRILE SEIZURES PLUS, TYPE 11. Last evaluated: 2010-04-01. Review status: no assertion criteria provided. Collection method: literature only. Allele origin: germline. Not counted in ClinVar's aggregate classification.

Literature cited by the submitters: PubMed 20437590 (cited by OMIM).

NM_001194.4(HCN2):c.2144CGC[4] (p.Pro719_Pro721del)

Gene: HCN2 (hyperpolarization activated cyclic nucleotide gated potassium and sodium channel 2; plus strand). Cytogenetic location: 19p13.3.
Variant type: Microsatellite.
Coding change: c.2144CGC[4] on transcript NM_001194.4 (MANE Select); four copies in a row of the 3-base unit CGC starting at c.2144; the reference has seven copies in a row; three copies, 9 bases deleted; also written c.2156_2164del.
Protein change: p.Pro719_Pro721del.
Molecular consequence: inframe deletion.
Genome position (GRCh38, 1-based): chr19:615,960-615,968, CGCCGCCGC deleted; deleting any 9 consecutive bases within chr19:615,947-615,968 gives the same sequence; the position shown is the placement nearest the transcript's 3' end. VCF-style (leftmost placement, unchanged base first): chr19-615946-CCCGCCGCCG-C. GRCh37 (hg19) VCF-style: chr19-615946-CCCGCCGCCG-C.
Other names: c.2156_2164delCGCCGCCGC (NM_001194.4); c.2156_2164del (NM_001194.3).
Identifiers: ClinVar variation 252561 (VCV000252561.23), dbSNP rs527536363, ClinGen allele CA9018841.